The following is an entry in ClinVar:

ClinVar aggregate classification (germline): Uncertain significance. Review status: criteria provided, multiple submitters, no conflicts (2 of 4 stars). 2 submissions from 2 submitters: Uncertain significance (2). Last evaluated 2026-02-06.

Conditions:
Neurodegeneration with brain iron accumulation 6 (NBIA6). Also called: COASY protein-associated neurodegeneration. Identifiers: Orphanet 397725, MedGen C4517377, MONDO:0014290, OMIM 615643.

Submissions (2):

GeneDx
Classification: Uncertain significance. Last evaluated: 2026-02-06. Review status: criteria provided, single submitter. Criteria: GeneDx Variant Classification Process June 2021. Collection method: clinical testing. Allele origin: germline.
Comment: Not observed at significant frequency in large population cohorts (gnomAD); In silico analysis suggests that this missense variant does not alter protein structure/function; Has not been previously published as pathogenic or benign to our knowledge

Labcorp Genetics (formerly Invitae), Labcorp
Classification: Uncertain significance for Neurodegeneration with brain iron accumulation 6. Last evaluated: 2025-10-01. Review status: criteria provided, single submitter. Criteria: Invitae Variant Classification Sherloc (09022015). Collection method: clinical testing. Allele origin: germline.
Comment: This sequence change replaces arginine, which is basic and polar, with glutamine, which is neutral and polar, at codon 458 of the COASY protein (p.Arg458Gln). This variant is present in population databases (rs141320026, gnomAD 0.0009%). This variant has not been reported in the literature in individuals affected with COASY-related conditions. ClinVar contains an entry for this variant (Variation ID: 2141569). Invitae Evidence Modeling of protein sequence and biophysical properties (such as structural, functional, and spatial information, amino acid conservation, physicochemical variation, residue mobility, and thermodynamic stability) indicates that this missense variant is not expected to disrupt COASY protein function with a negative predictive value of 80%. In summary, the available evidence is currently insufficient to determine the role of this variant in disease. Therefore, it has been classified as a Variant of Uncertain Significance.

NM_025233.7(COASY):c.1373G>A (p.Arg458Gln)

Gene: COASY (Coenzyme A synthase; plus strand). Cytogenetic location: 17q21.2.
Variant type: single nucleotide variant.
Coding change: c.1373G>A on transcript NM_025233.7 (MANE Select); coding-DNA position 1373, G replaced by A.
Protein change: p.Arg458Gln; replaces arginine 458 with glutamine.
Molecular consequence: missense variant.
Genome position (GRCh38, 1-based): chr17:42,565,297, G>A. VCF-style: chr17-42565297-G-A. GRCh37 (hg19) VCF-style: chr17-40717315-G-A.
Other names: c.1373G>A, p.Arg458Gln (NM_001042529.3); c.1460G>A, p.Arg487Gln (NM_001042532.4); c.1373G>A (NM_025233.6); short protein forms R458Q, R487Q.
Identifiers: ClinVar variation 2141569 (VCV002141569.5), dbSNP rs141320026, ClinGen allele CA8578298.
Genomic context (GRCh38, chr17:42,565,297, plus strand): 5'-AGATACTCACGGACATTATGTGGCCAATTATCGCAAAGCTGGCCCGAGAGGAGATGGATC[G>A]GGCTGTGGCTGAGGGTGAGTGGGAGGGAGGATGGCAACAGCTAAGGGGACAGTTAAGCTG-3'
Protein context (NP_079509.5, residues 448-468): IAKLAREEMD[Arg458Gln]AVAEGKRVCV